The following is an entry in ClinVar:

NM_012193.4(FZD4):c.1449G>T (p.Met483Ile)

Genes: FZD4 (frizzled class receptor 4; minus strand), PRSS23 (serine protease 23; plus strand). Cytogenetic location: 11q14.2.
Variant type: single nucleotide variant.
Coding change: c.1449G>T on transcript NM_012193.4 (MANE Select); coding-DNA position 1449, G replaced by T.
Protein change: p.Met483Ile; replaces methionine 483 with isoleucine.
Molecular consequence: missense variant. On other transcripts: non-coding transcript variant (2).
Genome position (GRCh38, 1-based): chr11:86,951,307, C>A on the plus strand (G>T on the coding strand, the complement: FZD4 is on the minus strand). VCF-style: chr11-86951307-C-A. GRCh37 (hg19) VCF-style: chr11-86662349-C-A.
Other names: short protein forms M483I.
Identifiers: ClinVar variation 4882603 (VCV004882603.2).

ClinVar aggregate classification (germline): Uncertain significance (1 of 4 stars; one submission).

gnomAD v4.1: 9 of 1,614,112 alleles (0.00056%); highest among the groups gnomAD compares: Non-Finnish European, 0.00076%; no homozygotes.

Submission:

Dasa
Classification: Uncertain significance. Last evaluated: 2025-10-13. Review status: criteria provided, single submitter. Criteria: DASA Assertion Criteria. Collection method: clinical testing. Allele origin: germline.
Comment: NM_012193.4(FZD4):c.1449G>T (p.Met483Ile) is a missense variant that results in the substitution of methionine with isoleucine. This variant is rare in population databases. Computational prediction algorithms are consistent with a deleterious effect. The currently available literature and clinical evidence are not sufficient to establish a definitive association between this variant and the reported condition. Therefore, this variant is classified as a variant of uncertain significance.